The following is an entry in ClinVar:

ClinVar aggregate classification (germline): Pathogenic (1 of 4 stars; one submission).

Conditions:
Neuropathy, hereditary sensory, type 2C. Also called: KIF1A-Related HSAN2 (HSAN2C); Hereditary sensory and autonomic neuropathy type IIC. Identifiers: Orphanet 970, MedGen C3280168, MONDO:0013634, OMIM 614213.
Hereditary spastic paraplegia 30. Identifiers: Orphanet 101010, MedGen C5235139, MONDO:0012476.
Intellectual disability, autosomal dominant 9 (NESCAVS). Also called: KIF1A-Related Neurodevelopmental Disorder; NESCAV SYNDROME. Identifiers: Orphanet 662367, MedGen C5393830, MONDO:0013656, OMIM 614255.

Submission:

Labcorp Genetics (formerly Invitae), Labcorp
Classification: Pathogenic for Hereditary spastic paraplegia 30; Neuropathy, hereditary sensory, type 2C; Intellectual disability, autosomal dominant 9. Last evaluated: 2025-10-09. Review status: criteria provided, single submitter. Criteria: Invitae Variant Classification Sherloc (09022015). Collection method: clinical testing. Allele origin: germline.
Comment: This sequence change replaces glutamine, which is neutral and polar, with lysine, which is basic and polar, at codon 70 of the KIF1A protein (p.Gln70Lys). This variant is not present in population databases (gnomAD no frequency). This missense change has been observed in individual(s) with clinical features of KIF1A-related conditions (external communication). In at least one individual the variant was observed to be de novo. ClinVar contains an entry for this variant (Variation ID: 3753720). Invitae Evidence Modeling of protein sequence and biophysical properties (such as structural, functional, and spatial information, amino acid conservation, physicochemical variation, residue mobility, and thermodynamic stability) indicates that this missense variant is expected to disrupt KIF1A protein function with a positive predictive value of 95%. For these reasons, this variant has been classified as Pathogenic.

NM_001244008.2(KIF1A):c.208C>A (p.Gln70Lys)

Gene: KIF1A (kinesin family member 1A; minus strand). Cytogenetic location: 2q37.3.
Variant type: single nucleotide variant.
Coding change: c.208C>A on transcript NM_001244008.2 (MANE Select); coding-DNA position 208, C replaced by A.
Protein change: p.Gln70Lys; replaces glutamine 70 with lysine.
Molecular consequence: missense variant.
Genome position (GRCh38, 1-based): chr2:240,788,206, G>T on the plus strand (C>A on the coding strand, the complement: KIF1A is on the minus strand). VCF-style: chr2-240788206-G-T. GRCh37 (hg19) VCF-style: chr2-241727623-G-T.
Other names: c.208C>A, p.Gln70Lys (NM_001320705.2, NM_001330289.2, NM_001330290.2 and 20 more transcripts); short protein forms Q70K.
Identifiers: ClinVar variation 3753720 (VCV003753720.2).